The following is an entry in ClinVar:

NM_003289.4(TPM2):c.240+4_240+5del

Gene: TPM2 (tropomyosin 2; minus strand). Cytogenetic location: 9p13.3.
Variant type: Deletion.
Coding change: c.240+4_240+5del on transcript NM_003289.4 (MANE Select); bases 4 to 5 of the intron after coding-DNA position 240, 2 bases deleted (AG; older notation c.240+4_240+5delAG).
Molecular consequence: intron variant.
Genome position (GRCh38, 1-based): chr9:35,689,141-35,689,142, CT deleted on the plus strand (AG on the coding strand, the reverse complement: TPM2 is on the minus strand); deleting any 2 consecutive bases within chr9:35,689,141-35,689,143 gives the same sequence; the c. name uses the placement nearest the transcript's 3' end. VCF-style (leftmost placement, unchanged base first): chr9-35689140-ACT-A. GRCh37 (hg19) VCF-style: chr9-35689137-ACT-A.
Other names: c.240+4_240+5del (NM_213674.1, NM_001301226.2, NM_001301227.2); c.240+4_240+5delAG (NM_003289.3).
Identifiers: ClinVar variation 423115 (VCV000423115.2), dbSNP rs1064796239, ClinGen allele CA16618858.

ClinVar aggregate classification (germline): Likely pathogenic (1 of 4 stars; one submission).

Submission:

GeneDx
Classification: Likely pathogenic. Last evaluated: 2017-01-13. Review status: criteria provided, single submitter. Criteria: GeneDx Variant Classification (06012015). Collection method: clinical testing. Allele origin: germline. Affected: yes.
Comment: The c.240+4_240+5delAG variant in the TPM2 gene has not been reported previously as a pathogenic variant nor as a benign variant, to our knowledge. This variant reduces the quality of the splice donor site in intron 2, and is expected to cause abnormal gene splicing. However, in the absence of RNA/functional studies, the actual effect of c.240+4_240+5delAG in this individual is unknown. The c.240+4_240+5delAG variant was not observed in approximately 6,500 individuals of European and African American ancestry in the NHLBI Exome Sequencing Project, indicating it is not a common benign variant in these populations. Other splice site variants at nearby (c.240+2T>G) or overlapping (c.240+5G>A) have been reported in association with distal arthrogryposis (Martitila et al., 2014), supporting the functional importance of this region of the protein. We interpret c.240+4_240+5delAG as a likely pathogenic variant.